The following is an entry in ClinVar:

NM_001378615.1(CC2D2A):c.540+1G>A

Genes: CC2D2A (coiled-coil and C2 domain containing 2A; plus strand), FBXL5 (F-box and leucine rich repeat protein 5; minus strand). Cytogenetic location: 4p15.32.
Variant type: single nucleotide variant.
Coding change: c.540+1G>A on transcript NM_001378615.1 (MANE Select); the canonical splice donor site of the intron after coding-DNA position 540, G replaced by A.
Molecular consequence: splice donor variant.
Genome position (GRCh38, 1-based): chr4:15,510,241, G>A. VCF-style: chr4-15510241-G-A. GRCh37 (hg19) VCF-style: chr4-15511864-G-A.
Other names: c.540+1G>A (NM_001080522.2); c.393+1G>A (NM_001378617.1).
Identifiers: ClinVar variation 1525145 (VCV001525145.7), dbSNP rs1296652053, ClinGen allele CA356408703.

ClinVar aggregate classification (germline): Likely pathogenic. Review status: criteria provided, multiple submitters, no conflicts (2 of 4 stars). 2 submissions from 2 submitters: Likely pathogenic (2). Last evaluated 2023-11-21.

Conditions:
CC2D2A-related disorder. Also called: CC2D2A-related disorders; CC2D2A-related condition. Identifiers: MedGen CN239313.
Joubert syndrome. Also called: JOUBERT-BOLTSHAUSER SYNDROME; Familial aplasia of the vermis. Identifiers: Orphanet 475, MedGen C5979921, MONDO:0018772.
Meckel-Gruber syndrome. Also called: DYSENCEPHALIA SPLANCHNOCYSTICA; GRUBER SYNDROME; Dysencephalia splachnocystica. Identifiers: Orphanet 564, MedGen C0265215, MONDO:0018921.

Allele frequency attached by ClinVar (database versions not stated): gnomAD exomes below 0.00001.
gnomAD v4.1: 1 of 1,605,288 alleles (0.000062%); highest among the groups gnomAD compares: Admixed American, 0.0017%; no homozygotes.

Submissions (2):

Labcorp Genetics (formerly Invitae), Labcorp
Classification: Likely pathogenic for Joubert syndrome; Meckel-Gruber syndrome. Last evaluated: 2023-11-21. Review status: criteria provided, single submitter. Criteria: Invitae Variant Classification Sherloc (09022015). Collection method: clinical testing. Allele origin: germline.
Comment: This sequence change affects a donor splice site in intron 8 of the CC2D2A gene. It is expected to disrupt RNA splicing. Variants that disrupt the donor or acceptor splice site typically lead to a loss of protein function (PMID: 16199547), and loss-of-function variants in CC2D2A are known to be pathogenic (PMID: 19777577). This variant is present in population databases (no rsID available, gnomAD 0.003%). This variant has not been reported in the literature in individuals affected with CC2D2A-related conditions. ClinVar contains an entry for this variant (Variation ID: 1525145). Algorithms developed to predict the effect of sequence changes on RNA splicing suggest that this variant may disrupt the consensus splice site. In summary, the currently available evidence indicates that the variant is pathogenic, but additional data are needed to prove that conclusively. Therefore, this variant has been classified as Likely Pathogenic.

Blueprint Genetics
Classification: Likely pathogenic for CC2D2A-related disorders. Last evaluated: 2021-09-27. Review status: criteria provided, single submitter. Criteria: ACMG Guidelines, 2015. Collection method: clinical testing. Allele origin: germline. Affected: yes. Observed: 1 variant allele.

Literature cited by the submitters: PubMed 16199547 (cited by Labcorp Genetics (formerly Invitae), Labcorp); PubMed 19777577 (cited by Labcorp Genetics (formerly Invitae), Labcorp).